The following is an entry in ClinVar:

ClinVar aggregate classification (germline): Uncertain significance. Review status: criteria provided, multiple submitters, no conflicts (2 of 4 stars). 7 submissions from 7 submitters: Uncertain significance (4). 3 of the submissions do not count toward it. Last evaluated 2022-08-31.

Conditions:
Inborn genetic diseases. Identifiers: MedGen C0950123, MeSH D030342.
Bardet-Biedl syndrome (BBS). Identifiers: Orphanet 110, MedGen C0752166, MONDO:0015229.
Bardet-Biedl syndrome 10 (BBS10). Identifiers: Orphanet 110, MedGen C1859568, MONDO:0014438, OMIM 615987.
BBS10-related disorder. Also called: BBS10-related condition.

Allele frequency attached by ClinVar (database versions not stated): gnomAD exomes 0.00004; ExAC 0.00005; ESP Exome Variant Server 0.00008; TOPMed 0.00014; gnomAD 0.00016 and 0.00018.

Submissions (7):

Blueprint Genetics
Classification: Uncertain significance. Last evaluated: 2022-08-31. Review status: criteria provided, single submitter. Criteria: ACMG Guidelines, 2015. Collection method: clinical testing. Allele origin: germline.

Labcorp Genetics (formerly Invitae), Labcorp
Classification: Uncertain significance for Bardet-Biedl syndrome. Last evaluated: 2022-06-23. Review status: criteria provided, single submitter. Criteria: Invitae Variant Classification Sherloc (09022015). Collection method: clinical testing. Allele origin: germline.
Comment: This sequence change replaces asparagine, which is neutral and polar, with serine, which is neutral and polar, at codon 668 of the BBS10 protein (p.Asn668Ser). This variant is present in population databases (rs142140276, gnomAD 0.05%). This variant has not been reported in the literature in individuals affected with BBS10-related conditions. ClinVar contains an entry for this variant (Variation ID: 1053917). Algorithms developed to predict the effect of missense changes on protein structure and function output the following: SIFT: "Tolerated"; PolyPhen-2: "Benign"; Align-GVGD: "Class C0". The serine amino acid residue is found in multiple mammalian species, which suggests that this missense change does not adversely affect protein function. Algorithms developed to predict the effect of sequence changes on RNA splicing suggest that this variant may create or strengthen a splice site. In summary, the available evidence is currently insufficient to determine the role of this variant in disease. Therefore, it has been classified as a Variant of Uncertain Significance.

Fulgent Genetics
Classification: Uncertain significance for Bardet-Biedl syndrome 10. Last evaluated: 2022-02-24. Review status: criteria provided, single submitter. Criteria: ACMG Guidelines, 2015. Collection method: clinical testing. Allele origin: unknown.

Ambry Genetics
Classification: Uncertain significance for Inborn genetic diseases. Last evaluated: 2021-10-12. Review status: criteria provided, single submitter. Criteria: Ambry Variant Classification Scheme 2023. Collection method: clinical testing. Allele origin: germline.

PreventionGenetics, part of Exact Sciences
Classification: Uncertain significance for BBS10-related condition. Last evaluated: 2024-04-30. Review status: no assertion criteria provided. Collection method: clinical testing. Allele origin: germline. Not counted in ClinVar's aggregate classification.
Comment: The BBS10 c.2003A>G variant is predicted to result in the amino acid substitution p.Asn668Ser. To our knowledge, this variant has not been reported in the literature. This variant is reported in 0.052% of alleles in individuals of African descent in gnomAD. Although this variant may be benign, at this time, the clinical significance of this variant is uncertain due to the absence of conclusive functional and genetic evidence.

Genetic Services Laboratory, University of Chicago
Classification: Uncertain significance. Last evaluated: 2022-08-22. Review status: no assertion criteria provided. Collection method: clinical testing. Allele origin: germline. Affected: no. Not counted in ClinVar's aggregate classification.
Comment: DNA sequence analysis of the BBS10 gene demonstrated a sequence change, c.2003A>G, in exon 2 that results in an amino acid change, p.Asn668Ser. This sequence change does not appear to have been previously described in individuals with BBS10-related disorders . This sequence change has been described in the gnomAD database with a frequency of 0.006% in the overall population (dbSNP rs142140276). The p.Asn668Ser change affects a poorly conserved amino acid residue located in a domain of the BBS10 protein that is known to be functional. The p.Asn668Ser substitution appears to be benign using several in-silico pathogenicity prediction tools (SIFT, PolyPhen2, Align GVGD, REVEL). Due to insufficient evidences and the lack of functional studies, the clinical significance of the p.Asn668Ser change remains unknown at this time .

Natera, Inc.
Classification: Uncertain significance for Bardet-Biedl syndrome type 10. Last evaluated: 2020-01-24. Review status: no assertion criteria provided. Collection method: clinical testing. Allele origin: germline. Not counted in ClinVar's aggregate classification.

NM_024685.4(BBS10):c.2003A>G (p.Asn668Ser)

Gene: BBS10 (Bardet-Biedl syndrome 10; minus strand). Cytogenetic location: 12q21.2.
Variant type: single nucleotide variant.
Coding change: c.2003A>G on transcript NM_024685.4 (MANE Select); coding-DNA position 2003, A replaced by G.
Protein change: p.Asn668Ser; replaces asparagine 668 with serine.
Molecular consequence: missense variant.
Genome position (GRCh38, 1-based): chr12:76,345,982, T>C on the plus strand (A>G on the coding strand, the complement: BBS10 is on the minus strand). VCF-style: chr12-76345982-T-C. GRCh37 (hg19) VCF-style: chr12-76739762-T-C.
Other names: c.2003A>G (NM_024685.3); short protein forms N668S.
Identifiers: ClinVar variation 1053917 (VCV001053917.11), dbSNP rs142140276, ClinGen allele CA6694060.
Genomic context (GRCh38, chr12:76,345,982, plus strand): 5'-AGTAGCTGGTATTTACCCATTACTGATTCCAAACCTGTCTGACTGCTTACCAAGGGTTGA[T>C]TGGTTTGCAGTGCATGGACAGCTCTTATATATGTATGTGGAAAGCTGTACTTTCCTGTTT-3'
Protein context (NP_078961.3, residues 658-678): YIRAVHALQT[Asn668Ser]QPLVSSQTGL